The following is an entry in ClinVar:

ClinVar aggregate classification (germline): Uncertain significance. Review status: criteria provided, multiple submitters, no conflicts (2 of 4 stars). 3 submissions from 3 submitters: Uncertain significance (3). Last evaluated 2025-09-10.

Conditions:
Occipital pachygyria and polymicrogyria. Identifiers: Orphanet 280640, MedGen C3279875, MONDO:0013583, OMIM 614115.

Allele frequency attached by ClinVar (database versions not stated): gnomAD 0.00009 and 0.00010; ExAC 0.00012; TOPMed 0.00005; gnomAD exomes 0.00010.
gnomAD v4.1: 70 of 1,614,034 alleles (0.0043%); highest among the groups gnomAD compares: Middle Eastern, 0.066%; no homozygotes.

Submissions (3):

Genomic Medicine Center of Excellence, King Faisal Specialist Hospital and Research Centre
Classification: Uncertain significance for Occipital pachygyria and polymicrogyria. Last evaluated: 2025-09-10. Review status: criteria provided, single submitter. Criteria: ACMG Guidelines, 2015. Collection method: clinical testing. Allele origin: germline.

GeneDx
Classification: Uncertain significance. Last evaluated: 2025-06-12. Review status: criteria provided, single submitter. Criteria: GeneDx Variant Classification Process June 2021. Collection method: clinical testing. Allele origin: germline. Affected: yes.
Comment: In silico analysis supports that this missense variant has a deleterious effect on protein structure/function; Has not been previously published as pathogenic or benign to our knowledge

Labcorp Genetics (formerly Invitae), Labcorp
Classification: Uncertain significance. Last evaluated: 2022-10-25. Review status: criteria provided, single submitter. Criteria: Invitae Variant Classification Sherloc (09022015). Collection method: clinical testing. Allele origin: germline.
Comment: This sequence change replaces glycine, which is neutral and non-polar, with valine, which is neutral and non-polar, at codon 849 of the LAMC3 protein (p.Gly849Val). This variant is present in population databases (rs143654398, gnomAD 0.04%). This variant has not been reported in the literature in individuals affected with LAMC3-related conditions. ClinVar contains an entry for this variant (Variation ID: 1190458). Algorithms developed to predict the effect of missense changes on protein structure and function are either unavailable or do not agree on the potential impact of this missense change (SIFT: "Deleterious"; PolyPhen-2: "Probably Damaging"; Align-GVGD: "Class C0"). In summary, the available evidence is currently insufficient to determine the role of this variant in disease. Therefore, it has been classified as a Variant of Uncertain Significance.

NM_006059.4(LAMC3):c.2546G>T (p.Gly849Val)

Gene: LAMC3 (laminin subunit gamma 3; plus strand). Cytogenetic location: 9q34.12.
Variant type: single nucleotide variant.
Coding change: c.2546G>T on transcript NM_006059.4 (MANE Select); coding-DNA position 2546, G replaced by T.
Protein change: p.Gly849Val; replaces glycine 849 with valine.
Molecular consequence: missense variant.
Genome position (GRCh38, 1-based): chr9:131,067,158, G>T. VCF-style: chr9-131067158-G-T. GRCh37 (hg19) VCF-style: chr9-133942545-G-T.
Other names: short protein forms G849V.
Identifiers: ClinVar variation 1190458 (VCV001190458.7), dbSNP rs143654398, ClinGen allele CA5287467.